The following is an entry in ClinVar:

ClinVar aggregate classification (germline): Conflicting classifications of pathogenicity. Review status: criteria provided, conflicting classifications (1 of 4 stars). 4 submissions from 4 submitters: Likely pathogenic (2); Uncertain significance (1). 1 of the submissions does not count toward it. Last evaluated 2025-11-10.

Conditions:
POLG-related disorder. Also called: POLG-related condition; POLG-Related Disorders; POLG-Related Spectrum Disorders. Identifiers: MedGen C4763519.
Progressive sclerosing poliodystrophy (MTDPS4A). Also called: ALPERS DIFFUSE DEGENERATION OF CEREBRAL GRAY MATTER WITH HEPATIC CIRRHOSIS; Alpers-Huttenlocher Syndrome; Alpers-Huttenlocher Syndrome (AHS); Alpers Syndrome; Mitochondrial DNA Depletion Syndrome 4A; ALPERS PROGRESSIVE INFANTILE POLIODYSTROPHY. Identifiers: Orphanet 726, MedGen C0205710, MONDO:0008758, OMIM 203700.

Allele frequency attached by ClinVar (database versions not stated): gnomAD 0.00001; ExAC 0.00011; 1000 Genomes Project 30x 0.00016; 1000 Genomes Project 0.00020.
gnomAD v4.1: 32 of 1,614,056 alleles (0.002%); highest among the groups gnomAD compares: South Asian, 0.032%; no homozygotes.

Submissions (4):

Labcorp Genetics (formerly Invitae), Labcorp
Classification: Likely pathogenic for Progressive sclerosing poliodystrophy. Last evaluated: 2025-11-10. Review status: criteria provided, single submitter. Criteria: Invitae Variant Classification Sherloc (09022015). Collection method: clinical testing. Allele origin: germline.
Comment: This sequence change replaces alanine, which is neutral and non-polar, with threonine, which is neutral and polar, at codon 781 of the POLG protein (p.Ala781Thr). This variant is present in population databases (rs575660501, gnomAD 0.06%). This missense change has been observed in individual(s) with autosomal recessive POLG-related conditions (PMID: 31425757). In at least one individual the data is consistent with being in trans (on the opposite chromosome) from a pathogenic variant. ClinVar contains an entry for this variant (Variation ID: 2174469). Invitae Evidence Modeling of protein sequence and biophysical properties (such as structural, functional, and spatial information, amino acid conservation, physicochemical variation, residue mobility, and thermodynamic stability) indicates that this missense variant is expected to disrupt POLG protein function with a positive predictive value of 95%. In summary, the currently available evidence indicates that the variant is pathogenic, but additional data are needed to prove that conclusively. Therefore, this variant has been classified as Likely Pathogenic.

Women's Health and Genetics/Laboratory Corporation of America, LabCorp
Classification: Uncertain significance. Last evaluated: 2025-05-22. Review status: criteria provided, single submitter. Criteria: LabCorp Variant Classification Summary - May 2015. Collection method: clinical testing. Allele origin: germline.
Comment: Variant summary: POLG c.2341G>A (p.Ala781Thr) results in a non-conservative amino acid change in the encoded protein sequence. Algorithms developed to predict the effect of missense changes on protein structure and function all suggest that this variant is likely to be disruptive. The variant allele was found at a frequency of 7.2e-05 in 251394 control chromosomes (gnomAD). This frequency is not significantly higher than estimated for a pathogenic variant in POLG causing POLG-Related Spectrum Disorders, allowing no conclusion about variant significance. c.2341G>A has been reported in the literature in two individuals with clinical features of POLG-Related Spectrum Disorders. In one individual with multiple mtDNA deletions it was found in trans with a pathogenic variant (Paramasivam_2019) and in another individual with a Kearns-Sayre syndrome phenotype, who also harbored a putatively pathogenic variant in MT-TS1, it was reported as an uninformative genotype (i.e. zygosity not specified; Pauls_2020). These data do not allow any conclusion about variant significance. To our knowledge, no experimental evidence demonstrating an impact on protein function has been reported. The following publications have been ascertained in the context of this evaluation (PMID: 31425757, 32502631). ClinVar contains an entry for this variant (Variation ID: 2174469). Based on the evidence outlined above, the variant was classified as uncertain significance.

Blueprint Genetics
Classification: Likely pathogenic for POLG-related disorders. Last evaluated: 2024-03-21. Review status: criteria provided, single submitter. Criteria: ACMG Guidelines, 2015. Collection method: clinical testing. Allele origin: germline. Affected: yes. Observed: 2 variant alleles.

PreventionGenetics, part of Exact Sciences
Classification: Uncertain significance for POLG-related condition. Last evaluated: 2023-11-22. Review status: no assertion criteria provided. Collection method: clinical testing. Allele origin: germline. Not counted in ClinVar's aggregate classification.
Comment: The POLG c.2341G>A variant is predicted to result in the amino acid substitution p.Ala781Thr. This variant has been reported in the compound heterozygous state in an individual with multisystem mitochondrial disease (patient 4, Paramasivam et al. 2019. PubMed ID: 31425757). This variant is reported in 0.052% of alleles in individuals of South Asian descent in gnomAD. At this time, the clinical significance of this variant is uncertain due to the absence of conclusive functional and genetic evidence.

Literature cited by the submitters: PubMed 31425757 (cited by Labcorp Genetics (formerly Invitae), Labcorp and Women's Health and Genetics/Laboratory Corporation of America, LabCorp); PubMed 32502631 (cited by Women's Health and Genetics/Laboratory Corporation of America, LabCorp).

NM_002693.3(POLG):c.2341G>A (p.Ala781Thr)

Gene: POLG (DNA polymerase gamma, catalytic subunit; minus strand). Cytogenetic location: 15q26.1.
Variant type: single nucleotide variant.
Coding change: c.2341G>A on transcript NM_002693.3 (MANE Select); coding-DNA position 2341, G replaced by A.
Protein change: p.Ala781Thr; replaces alanine 781 with threonine.
Molecular consequence: missense variant.
Genome position (GRCh38, 1-based): chr15:89,322,827, C>T on the plus strand (G>A on the coding strand, the complement: POLG is on the minus strand). VCF-style: chr15-89322827-C-T. GRCh37 (hg19) VCF-style: chr15-89866058-C-T.
Other names: c.2341G>A, p.Ala781Thr (NM_001126131.2); short protein forms A781T.
Identifiers: ClinVar variation 2174469 (VCV002174469.10), dbSNP rs575660501, ClinGen allele CA7724501.